The following is an entry in ClinVar:

ClinVar aggregate classification (germline): Pathogenic (1 of 4 stars; one submission).

Conditions:
Bardet-Biedl syndrome (BBS). Identifiers: Orphanet 110, MedGen C0752166, MONDO:0015229.

Submission:

Labcorp Genetics (formerly Invitae), Labcorp
Classification: Pathogenic for Bardet-Biedl syndrome. Last evaluated: 2022-08-08. Review status: criteria provided, single submitter. Criteria: Invitae Variant Classification Sherloc (09022015). Collection method: clinical testing. Allele origin: germline.
Comment: This variant is a gross deletion of the genomic region encompassing exon(s) 7-9 of the BBS4 gene. This variant would be expected to be in-frame, preserving the integrity of the reading frame. For these reasons, this variant has been classified as Pathogenic. This variant disrupts a region of the BBS4 protein in which other variant(s) (p.Gly209Glu) have been determined to be pathogenic (PMID: 17558852; Invitae). This suggests that this is a clinically significant region of the protein, and that variants that disrupt it are likely to be disease-causing. Experimental studies and prediction algorithms are not available or were not evaluated, and the functional significance of this variant is currently unknown. This variant has not been reported in the literature in individuals affected with BBS4-related conditions.

Literature cited by the submitters: PubMed 17558852.

NC_000015.9:g.(?_73015115)_(73020355_?)del

Gene: BBS4 (Bardet-Biedl syndrome 4; plus strand). Cytogenetic location: 15q24.1.
Variant type: Deletion.
Identifiers: ClinVar variation 2427094 (VCV002427094.4).